The following is an entry in ClinVar:

ClinVar aggregate classification (germline): Uncertain significance (1 of 4 stars; one submission).

Allele frequency attached by ClinVar (database versions not stated): gnomAD 0.00002.
gnomAD v4.1: 3 of 1,613,998 alleles (0.00019%); highest among the groups gnomAD compares: African/African-American, 0.004%; no homozygotes.

Submission:

Labcorp Genetics (formerly Invitae), Labcorp
Classification: Uncertain significance. Last evaluated: 2021-08-27. Review status: criteria provided, single submitter. Criteria: Invitae Variant Classification Sherloc (09022015). Collection method: clinical testing. Allele origin: germline.
Comment: This sequence change replaces proline with serine at codon 269 of the GNPTG protein (p.Pro269Ser). The proline residue is moderately conserved and there is a moderate physicochemical difference between proline and serine. This variant is not present in population databases (ExAC no frequency). This variant has not been reported in the literature in individuals affected with GNPTG-related conditions. Algorithms developed to predict the effect of missense changes on protein structure and function output the following: SIFT: "Tolerated"; PolyPhen-2: "Benign"; Align-GVGD: "Class C0". The serine amino acid residue is found in multiple mammalian species, which suggests that this missense change does not adversely affect protein function. In summary, the available evidence is currently insufficient to determine the role of this variant in disease. Therefore, it has been classified as a Variant of Uncertain Significance.

NM_032520.5(GNPTG):c.805C>T (p.Pro269Ser)

Gene: GNPTG (N-acetylglucosamine-1-phosphate transferase subunit gamma; plus strand). Cytogenetic location: 16p13.3.
Variant type: single nucleotide variant.
Coding change: c.805C>T on transcript NM_032520.5 (MANE Select); coding-DNA position 805, C replaced by T.
Protein change: p.Pro269Ser; replaces proline 269 with serine.
Molecular consequence: missense variant.
Genome position (GRCh38, 1-based): chr16:1,362,888, C>T. VCF-style: chr16-1362888-C-T. GRCh37 (hg19) VCF-style: chr16-1412889-C-T.
Other names: short protein forms P269S.
Identifiers: ClinVar variation 963830 (VCV000963830.7), dbSNP rs1567185562, ClinGen allele CA394188790.